The following is an entry in ClinVar:

ClinVar aggregate classification (germline): Pathogenic. Review status: criteria provided, multiple submitters, no conflicts (2 of 4 stars). 3 submissions from 3 submitters: Pathogenic (2). 1 of the submissions does not count toward it. Last evaluated 2024-05-23.

Conditions:
Fanconi anemia (FA). Also called: Fanconi's anemia. Identifiers: Orphanet 84, MedGen C0015625, MeSH D005199, MONDO:0019391.
Fanconi anemia complementation group A (FANCA). Also called: Fanconi anemia, group A; FANCA-Related Fanconi Anemia. Identifiers: Orphanet 84, MedGen C3469521, MONDO:0009215, OMIM 227650.

Submissions (3):

Natera, Inc.
Classification: Pathogenic for Fanconi anemia. Last evaluated: 2024-05-23. Review status: criteria provided, single submitter. Criteria: Natera Variant Classification Schema (03/2026). Collection method: clinical testing. Allele origin: germline.
Comment: The c.2T>G variant in FANCA is predicted to result in start loss due to disruption of the initiator methionine. This variant is expected to result in nonsense mediated decay, truncation, or a dysfunctional protein product. This variant is rare in the general population with a frequency below the threshold expected for the associated phenotype(s). This variant has been observed in one or more individuals affected with the associated recessive disease, as either homozygous or compound heterozygous with a second variant (PMID: 36463940). Given the available evidence, this variant is classified as Pathogenic.

Labcorp Genetics (formerly Invitae), Labcorp
Classification: Pathogenic for Fanconi anemia. Last evaluated: 2022-04-13. Review status: criteria provided, single submitter. Criteria: Invitae Variant Classification Sherloc (09022015). Collection method: clinical testing. Allele origin: germline.
Comment: This sequence change affects the initiator methionine of the FANCA mRNA. The next in-frame methionine is located at codon 116. This variant is not present in population databases (gnomAD no frequency). Disruption of the initiator codon has been observed in individuals with Fanconi anemia (PMID: 10090479, 15643609, 16084127, 22778927, 23898106, 24584348). ClinVar contains an entry for this variant (Variation ID: 934462). Algorithms developed to predict the effect of sequence changes on RNA splicing suggest that this variant may create or strengthen a splice site. For these reasons, this variant has been classified as Pathogenic.

Leiden Open Variation Database
Classification: Pathogenic for Fanconi anemia complementation group A. Last evaluated: 2020-02-28. Review status: no assertion criteria provided. Collection method: curation. Allele origin: germline. Affected: yes. Not counted in ClinVar's aggregate classification.
Comment: Curator: Arleen D. Auerbach. Submitter to LOVD: Arleen D. Auerbach.

Literature cited by the submitters: PubMed 36463940 (cited by Natera, Inc.); PubMed 10090479 (cited by Labcorp Genetics (formerly Invitae), Labcorp); PubMed 15643609 (cited by Labcorp Genetics (formerly Invitae), Labcorp); PubMed 16084127 (cited by Labcorp Genetics (formerly Invitae), Labcorp); PubMed 22778927 (cited by Labcorp Genetics (formerly Invitae), Labcorp); PubMed 23898106 (cited by Labcorp Genetics (formerly Invitae), Labcorp); PubMed 24584348 (cited by Labcorp Genetics (formerly Invitae), Labcorp).

NM_000135.4(FANCA):c.2T>G (p.Met1Arg)

Genes: FANCA (FA complementation group A; minus strand), LOC112486223 (Sharpr-MPRA regulatory region 3988; plus strand). Cytogenetic location: 16q24.3.
Variant type: single nucleotide variant.
Coding change: c.2T>G on transcript NM_000135.4 (MANE Select); coding-DNA position 2, T replaced by G.
Protein change: p.Met1Arg; changes the start codon (methionine 1).
Molecular consequence: missense variant, initiator codon variant.
Genome position (GRCh38, 1-based): chr16:89,816,614, A>C on the plus strand (T>G on the coding strand, the complement: FANCA is on the minus strand). VCF-style: chr16-89816614-A-C. GRCh37 (hg19) VCF-style: chr16-89883022-A-C.
Other names: c.2T>G (NM_000135.3); c.2T>G, p.Met1Arg (NM_001018112.3, NM_001286167.3, NM_001351830.2); short protein forms M1R.
Identifiers: ClinVar variation 934462 (VCV000934462.14), dbSNP rs769479800, ClinGen allele CA397484671.
Genomic context (GRCh38, chr16:89,816,614, plus strand): 5'-GCCCTCCGGCGGCCCCCTGGGTCCTGGCCCGAGGCGGAGTTCGGGACCCACGAGTCGGAC[A>C]TGGCCTTGGCGCCTACAGCCCCGGCGGCGGCTCCCTGCGCCCGAGCCCGCGCTGCCTTCC-3'
Protein context (NP_000126.2, residues 1-11): [Met1Arg]SDSWVPNSAS